The following is an entry in ClinVar:

ClinVar aggregate classification (germline): Pathogenic/Likely pathogenic. Review status: criteria provided, multiple submitters, no conflicts (2 of 4 stars). 2 submissions from 2 submitters: Pathogenic (1); Likely pathogenic (1). Last evaluated 2023-12-29.

Conditions:
Norman-Roberts syndrome (LIS2). Also called: Lissencephaly 2 (Norman-Roberts type). Identifiers: Orphanet 89844, MedGen C0796089, MONDO:0009760, OMIM 257320.
Familial temporal lobe epilepsy 7. Identifiers: Orphanet 101046, MedGen C4225327, MONDO:0014639, OMIM 616436.

Submissions (2):

Fulgent Genetics
Classification: Likely pathogenic for Norman-Roberts syndrome; Familial temporal lobe epilepsy 7. Last evaluated: 2023-12-29. Review status: criteria provided, single submitter. Criteria: ACMG Guidelines, 2015. Collection method: clinical testing. Allele origin: germline.

Victorian Clinical Genetics Services, Murdoch Childrens Research Institute
Classification: Pathogenic for Norman-Roberts syndrome. Last evaluated: 2023-12-21. Review status: criteria provided, single submitter. Criteria: ACMG Guidelines, 2015. Collection method: clinical testing. Allele origin: germline. Inheritance: Autosomal recessive inheritance. Affected: no.
Comment: Based on the classification scheme VCGS_Germline_v1.3.4, this variant is classified as Pathogenic. Following criteria are met: 0102 - Loss of function is a known mechanism of disease in this gene and is associated with autosomal recessive lissencephaly 2 (Norman-Roberts type) (MIM#257320) and autosomal dominant familial temporal lobe epilepsy, 7 (ADTLE) (MIM#616436, GeneReviews). In addition, dominant negative has been suggested for autosomal dominant neurodevelopmental disorder (MONDO#0700092), RELN-related, as two of the reported variants were functionally assessed in a pre-print (Riva et al. bioRxiv). (I) 0108 - This gene is associated with both recessive and dominant disease. (I) 0112 - The condition associated with this gene has incomplete penetrance. Specifically, penetrance is low for autosomal dominant familial temporal lobe epilepsy, 7 (ADTLE) (GeneReviews) and a single unaffected carrier has been reported for autosomal dominant neurodevelopmental disorder, RELN-related (PMID: 35769015). (I) 0115 - Variants in this gene are known to have variable expressivity. Intrafamilial variability has been reported for neurodevelopmental disorder, RELN-related (PMID: 35769015). (I) 0201 - Variant is predicted to cause nonsense-mediated decay (NMD) and loss of protein (premature termination codon is located at least 54 nucleotides upstream of the final exon-exon junction). (SP) 0251 - This variant is heterozygous. (I) 0301 - Variant is absent from gnomAD (both v2 and v3). (SP) 0701 - Other NMD-predicted variants comparable to the one identified in this case have very strong previous evidence for pathogenicity (ClinVar). (SP) 0807 - This variant has no previous evidence of pathogenicity. (I) 0905 - No published segregation evidence has been identified for this variant. (I) 1007 - No published functional evidence has been identified for this variant. (I) Legend: (SP) - Supporting pathogenic, (I) - Information, (SB) - Supporting benign

Literature cited by the submitters: PubMed 35769015 (cited by Victorian Clinical Genetics Services, Murdoch Childrens Research Institute).

NM_005045.4(RELN):c.9186del (p.Phe3062fs)

Genes: SLC26A5-AS1 (SLC26A5 antisense RNA 1; plus strand), RELN (reelin; minus strand). Cytogenetic location: 7q22.1.
Variant type: Deletion.
Coding change: c.9186del on transcript NM_005045.4 (MANE Select); coding-DNA position 9186, one base deleted (T; older notation c.9186delT).
Protein change: p.Phe3062fs; shifts the reading frame from phenylalanine 3062.
Molecular consequence: frameshift variant.
Genome position (GRCh38, 1-based): chr7:103,496,533, A deleted on the plus strand (T on the coding strand, the reverse complement: RELN is on the minus strand); the first of 4 consecutive A bases (chr7:103,496,533-103,496,536); deleting any one gives the same sequence. VCF-style (leftmost placement, unchanged base first): chr7-103496532-CA-C. GRCh37 (hg19) VCF-style: chr7-103136979-CA-C.
Other names: c.9186del, p.Phe3062fs (NM_173054.3); short protein forms F3062fs.
Identifiers: ClinVar variation 3376910 (VCV003376910.2).
Genomic context (GRCh38, chr7:103,496,532, plus strand): 5'-TAAGCAGAAAAATGGCTCACAGGAAAGAAAATTGTTCAATGTCTTGTTTCTTACCATCAT[CA>C]AAAGTGTCCACCAATTGGCTGGGATTGATTTCTGCTCCACCAATCAAAATGTTGTCCAGT-3'